The following is an entry in ClinVar:

ClinVar aggregate classification (germline): Uncertain significance (1 of 4 stars; one submission).

Conditions:
Familial thoracic aortic aneurysm and aortic dissection (TAAD). Also called: Thoracic aortic aneurysms and dissections. Identifiers: Orphanet 91387, MedGen C4707243, MONDO:0019625.

Submission:

Color Diagnostics, LLC DBA Color Health
Classification: Uncertain significance for Familial thoracic aortic aneurysm and aortic dissection. Last evaluated: 2025-06-03. Review status: criteria provided, single submitter. Criteria: ACMG Guidelines, 2015. Collection method: clinical testing. Allele origin: germline.
Comment: This variant causes a G to C nucleotide substitution at the +4 position of intron 1/8 of the SMAD3 gene. To our knowledge, functional studies have not been reported for this variant. This variant has not been reported in individuals affected with SMAD3-related disorders in the literature. This variant has not been identified in the general population by the Genome Aggregation Database (gnomAD). The available evidence is insufficient to determine the role of this variant in disease conclusively. Therefore, this variant is classified as a Variant of Uncertain Significance.

NM_005902.4(SMAD3):c.206+4G>C

Gene: SMAD3 (SMAD family member 3; plus strand). Cytogenetic location: 15q22.33.
Variant type: single nucleotide variant.
Coding change: c.206+4G>C on transcript NM_005902.4 (MANE Select); 4 bases into the intron after coding-DNA position 206, G replaced by C.
Molecular consequence: intron variant.
Genome position (GRCh38, 1-based): chr15:67,066,364, G>C. VCF-style: chr15-67066364-G-C. GRCh37 (hg19) VCF-style: chr15-67358702-G-C.
Other names: c.206+4G>C (NM_001407011.1, NM_001407013.1, NM_001407012.1).
Identifiers: ClinVar variation 4756703 (VCV004756703.1).